The following is an entry in ClinVar:

ClinVar aggregate classification (germline): Pathogenic. Review status: criteria provided, multiple submitters, no conflicts (2 of 4 stars). 3 submissions from 3 submitters: Pathogenic (3). Last evaluated 2024-07-06.

Conditions:
Severe combined immunodeficiency, autosomal recessive, T cell-negative, B cell-negative, NK cell-negative, due to adenosine deaminase deficiency. Also called: ADA deficiency; Adenosine deaminase deficient severe combined immunodeficiency; Severe combined immunodeficiency due to ADA deficiency; SCID DUE TO ADA DEFICIENCY; SCID DUE TO ADA DEFICIENCY, EARLY-ONSET; ADA-SCID. Identifiers: Orphanet 277, MedGen C0392607, MONDO:0007064, OMIM 102700.

Submissions (3):

Labcorp Genetics (formerly Invitae), Labcorp
Classification: Pathogenic for Severe combined immunodeficiency, autosomal recessive, T cell-negative, B cell-negative, NK cell-negative, due to adenosine deaminase deficiency. Last evaluated: 2024-07-06. Review status: criteria provided, single submitter. Criteria: Invitae Variant Classification Sherloc (09022015). Collection method: clinical testing. Allele origin: germline.
Comment: This sequence change creates a premature translational stop signal (p.Arg341Glyfs*8) in the ADA gene. While this is not anticipated to result in nonsense mediated decay, it is expected to disrupt the last 23 amino acid(s) of the ADA protein. This variant is not present in population databases (gnomAD no frequency). This premature translational stop signal has been observed in individual(s) with adenosine deaminase deficiency (PMID: 8227344; Invitae). In at least one individual the data is consistent with being in trans (on the opposite chromosome) from a pathogenic variant. This variant is also known as delta 1019-1020. ClinVar contains an entry for this variant (Variation ID: 847778). Algorithms developed to predict the effect of variants on gene product structure and function are not available or were not evaluated for this variant. Experimental studies have shown that this premature translational stop signal affects ADA function (PMID: 8227344). For these reasons, this variant has been classified as Pathogenic.

Baylor Genetics
Classification: Pathogenic for Severe combined immunodeficiency, autosomal recessive, T cell-negative, B cell-negative, NK cell-negative, due to adenosine deaminase deficiency. Last evaluated: 2023-02-24. Review status: criteria provided, single submitter. Criteria: ACMG Guidelines, 2015. Collection method: clinical testing. Allele origin: unknown.

Genome-Nilou Lab
Classification: Pathogenic for Severe combined immunodeficiency, autosomal recessive, T cell-negative, B cell-negative, NK cell-negative, due to adenosine deaminase deficiency. Last evaluated: 2021-08-10. Review status: criteria provided, single submitter. Criteria: ACMG Guidelines, 2015. Collection method: clinical testing. Allele origin: germline. Affected: no.

Literature cited by the submitters: PubMed 8227344 (cited by Labcorp Genetics (formerly Invitae), Labcorp).

NM_000022.4(ADA):c.1021_1022del (p.Arg341fs)

Gene: ADA (adenosine deaminase; minus strand). Cytogenetic location: 20q13.12.
Variant type: Microsatellite.
Coding change: c.1021_1022del on transcript NM_000022.4 (MANE Select); coding-DNA positions 1021 to 1022, 2 bases deleted (AG; older notation c.1021_1022delAG).
Protein change: p.Arg341fs; shifts the reading frame from arginine 341.
Molecular consequence: frameshift variant. On other transcripts: non-coding transcript variant (1).
Genome position (GRCh38, 1-based): chr20:44,620,355-44,620,356, CT deleted on the plus strand (AG on the coding strand, the reverse complement: ADA is on the minus strand); deleting any 2 consecutive bases within chr20:44,620,355-44,620,358 gives the same sequence; the c. name uses the placement nearest the transcript's 3' end. VCF-style (leftmost placement, unchanged base first): chr20-44620354-CCT-C. GRCh37 (hg19) VCF-style: chr20-43248995-CCT-C.
Other names: c.616_617del, p.Arg206fs (NM_001322050.2); c.949_950del, p.Arg317fs (NM_001322051.2); short protein forms R341fs, R317fs, R206fs.
Identifiers: ClinVar variation 847778 (VCV000847778.10), dbSNP rs2065317387, ClinGen allele CA916081234.